The following is an entry in ClinVar:

NM_004055.5(CAPN5):c.1063G>A (p.Glu355Lys)

Gene: CAPN5 (calpain 5; plus strand). Cytogenetic location: 11q13.5.
Variant type: single nucleotide variant.
Coding change: c.1063G>A on transcript NM_004055.5 (MANE Select); coding-DNA position 1063, G replaced by A.
Protein change: p.Glu355Lys; replaces glutamic acid 355 with lysine.
Molecular consequence: missense variant.
Genome position (GRCh38, 1-based): chr11:77,118,248, G>A. VCF-style: chr11-77118248-G-A. GRCh37 (hg19) VCF-style: chr11-76829294-G-A.
Other names: short protein forms E355K.
Identifiers: ClinVar variation 1062329 (VCV001062329.12), dbSNP rs782089468, ClinGen allele CA6196672.

ClinVar aggregate classification (germline): Conflicting classifications of pathogenicity. Review status: criteria provided, conflicting classifications (1 of 4 stars). 5 submissions from 5 submitters: Uncertain significance (4); Likely benign (1). Last evaluated 2025-08-11.

Conditions:
Autosomal dominant neovascular inflammatory vitreoretinopathy. Also called: CAPN5-related vitreoretinopathy. Identifiers: Orphanet 329211, MedGen C4721549, MONDO:0100450.

Allele frequency attached by ClinVar (database versions not stated): TOPMed 0.00006; gnomAD 0.00007 and 0.00008.
gnomAD v4.1: 160 of 1,614,044 alleles (0.0099%); highest among the groups gnomAD compares: Middle Eastern, 0.016%; no homozygotes.

Submissions (5):

Labcorp Genetics (formerly Invitae), Labcorp
Classification: Uncertain significance. Last evaluated: 2025-08-11. Review status: criteria provided, single submitter. Criteria: Invitae Variant Classification Sherloc (09022015). Collection method: clinical testing. Allele origin: germline.
Comment: This sequence change replaces glutamic acid, which is acidic and polar, with lysine, which is basic and polar, at codon 355 of the CAPN5 protein (p.Glu355Lys). This variant is present in population databases (rs782089468, gnomAD 0.07%), and has an allele count higher than expected for a pathogenic variant. This variant has not been reported in the literature in individuals affected with CAPN5-related conditions. ClinVar contains an entry for this variant (Variation ID: 1062329). Invitae Evidence Modeling of protein sequence and biophysical properties (such as structural, functional, and spatial information, amino acid conservation, physicochemical variation, residue mobility, and thermodynamic stability) indicates that this missense variant is not expected to disrupt CAPN5 protein function with a negative predictive value of 80%. In summary, the available evidence is currently insufficient to determine the role of this variant in disease. Therefore, it has been classified as a Variant of Uncertain Significance.

Dasa
Classification: Uncertain significance. Last evaluated: 2024-12-23. Review status: criteria provided, single submitter. Criteria: DASA Assertion Criteria. Collection method: clinical testing. Allele origin: germline.
Comment: NM_004055.5(CAPN5):c.1063G>A (p.Glu355Lys) is a missense variant that results in the substitution of glutamic acid with lysine. This variant is rare in population databases. Computational prediction algorithms are consistent with a deleterious effect. The currently available literature and clinical evidence are not sufficient to establish a definitive association between this variant and the reported condition. Therefore, this variant is classified as a variant of uncertain significance.

Blueprint Genetics
Classification: Likely benign. Last evaluated: 2024-06-10. Review status: criteria provided, single submitter. Criteria: ACMG Guidelines, 2015. Collection method: clinical testing. Allele origin: germline.

Department of Pathology and Laboratory Medicine, Sinai Health System
Classification: Uncertain significance for CAPN5-related vitreoretinopathy. Last evaluated: 2021-07-30. Review status: criteria provided, single submitter. Criteria: ACMG Guidelines, 2015. Collection method: research. Allele origin: germline.

Breakthrough Genomics
Classification: Uncertain significance. Review status: criteria provided, single submitter. Criteria: ACMG Guidelines, 2015. Collection method: not provided. Allele origin: germline. Inheritance: Autosomal dominant inheritance. Affected: yes.